The following is an entry in ClinVar:

NM_001102469.2(LIPN):c.293A>T (p.Tyr98Phe)

Gene: LIPN (lipase family member N; plus strand). Cytogenetic location: 10q23.31.
Variant type: single nucleotide variant.
Coding change: c.293A>T on transcript NM_001102469.2 (MANE Select); coding-DNA position 293, A replaced by T.
Protein change: p.Tyr98Phe; replaces tyrosine 98 with phenylalanine.
Molecular consequence: missense variant.
Genome position (GRCh38, 1-based): chr10:88,764,476, A>T. VCF-style: chr10-88764476-A-T. GRCh37 (hg19) VCF-style: chr10-90524233-A-T.
Other names: short protein forms Y98F.
Identifiers: ClinVar variation 1315269 (VCV001315269.5), dbSNP rs200998153, ClinGen allele CA5591826.

ClinVar aggregate classification (germline): Uncertain significance. Review status: criteria provided, multiple submitters, no conflicts (2 of 4 stars). 2 submissions from 2 submitters: Uncertain significance (2). Last evaluated 2023-09-23.

Allele frequency attached by ClinVar (database versions not stated): 1000 Genomes Project 30x 0.00016; 1000 Genomes Project 0.00020; ESP Exome Variant Server 0.00025; gnomAD 0.00062 and 0.00063; TOPMed 0.00062; gnomAD exomes 0.00066 and 0.00096; ExAC 0.00082.
gnomAD v4.1: 1,484 of 1,612,442 alleles (0.092%); highest among the groups gnomAD compares: Non-Finnish European, 0.12%; 6 homozygotes.

Submissions (2):

Labcorp Genetics (formerly Invitae), Labcorp
Classification: Uncertain significance. Last evaluated: 2023-09-23. Review status: criteria provided, single submitter. Criteria: Invitae Variant Classification Sherloc (09022015). Collection method: clinical testing. Allele origin: germline.
Comment: In summary, the available evidence is currently insufficient to determine the role of this variant in disease. Therefore, it has been classified as a Variant of Uncertain Significance. Algorithms developed to predict the effect of missense changes on protein structure and function output the following: SIFT: "Not Available"; PolyPhen-2: "Benign"; Align-GVGD: "Not Available". The phenylalanine amino acid residue is found in multiple mammalian species, which suggests that this missense change does not adversely affect protein function. ClinVar contains an entry for this variant (Variation ID: 1315269). This variant has not been reported in the literature in individuals affected with LIPN-related conditions. This variant is present in population databases (rs200998153, gnomAD 0.1%), and has an allele count higher than expected for a pathogenic variant. This sequence change replaces tyrosine, which is neutral and polar, with phenylalanine, which is neutral and non-polar, at codon 98 of the LIPN protein (p.Tyr98Phe).

GeneDx
Classification: Uncertain significance. Last evaluated: 2020-02-05. Review status: criteria provided, single submitter. Criteria: GeneDx Variant Classification Process June 2021. Collection method: clinical testing. Allele origin: germline. Affected: yes.
Comment: Has not been previously published as pathogenic or benign to our knowledge; In silico analysis supports that this missense variant does not alter protein structure/function